The following is an entry in ClinVar:

NM_004793.4(LONP1):c.1852A>C (p.Asn618His)

Gene: LONP1 (lon peptidase 1, mitochondrial; minus strand). Cytogenetic location: 19p13.3.
Variant type: single nucleotide variant.
Coding change: c.1852A>C on transcript NM_004793.4 (MANE Select); coding-DNA position 1852, A replaced by C.
Protein change: p.Asn618His; replaces asparagine 618 with histidine.
Molecular consequence: missense variant. On other transcripts: non-coding transcript variant (1).
Genome position (GRCh38, 1-based): chr19:5,696,293, T>G on the plus strand (A>C on the coding strand, the complement: LONP1 is on the minus strand). VCF-style: chr19-5696293-T-G. GRCh37 (hg19) VCF-style: chr19-5696304-T-G.
Other names: c.1660A>C, p.Asn554His (NM_001276479.2); c.1264A>C, p.Asn422His (NM_001276480.1); short protein forms N554H, N618H, N422H.
Identifiers: ClinVar variation 1361654 (VCV001361654.6), dbSNP rs2145584099, ClinGen allele CA403529053.
Genomic context (GRCh38, chr19:5,696,293, plus strand): 5'-CAGACAGGCCCCCCACCTTGGACAAGTCCACGGGCACGTCCAGGTAGTGGTCCAGGAAGT[T>G]GGCATTCTGCTCTGGGTCCAGCAGCTCCAGCAGTGCCGACGACGGGTCCCCCTGGTAGCC-3'
Protein context (NP_004784.2, residues 608-628): LELLDPEQNA[Asn618His]FLDHYLDVPV

ClinVar aggregate classification (germline): Uncertain significance (1 of 4 stars; one submission).

Allele frequency attached by ClinVar (database versions not stated): gnomAD exomes below 0.00001.
gnomAD v4.1: 1 of 1,613,428 alleles (0.000062%); highest among the groups gnomAD compares: Admixed American, 0.0017%; no homozygotes.

Submission:

Labcorp Genetics (formerly Invitae), Labcorp
Classification: Uncertain significance. Last evaluated: 2023-02-06. Review status: criteria provided, single submitter. Criteria: Invitae Variant Classification Sherloc (09022015). Collection method: clinical testing. Allele origin: germline.
Comment: This sequence change replaces asparagine, which is neutral and polar, with histidine, which is basic and polar, at codon 618 of the LONP1 protein (p.Asn618His). This variant is not present in population databases (gnomAD no frequency). This variant has not been reported in the literature in individuals affected with LONP1-related conditions. ClinVar contains an entry for this variant (Variation ID: 1361654). Advanced modeling of protein sequence and biophysical properties (such as structural, functional, and spatial information, amino acid conservation, physicochemical variation, residue mobility, and thermodynamic stability) performed at Invitae indicates that this missense variant is not expected to disrupt LONP1 protein function. In summary, the available evidence is currently insufficient to determine the role of this variant in disease. Therefore, it has been classified as a Variant of Uncertain Significance.